The following is an entry in ClinVar:

ClinVar aggregate classification (germline): Pathogenic. Review status: reviewed by expert panel (3 of 4 stars). 5 submissions from 5 submitters: Pathogenic (1). 4 of the submissions do not count toward it. Last evaluated 2017-12-15.

Conditions:
Hereditary cancer-predisposing syndrome. Also called: Tumor predisposition; Hereditary Cancer Syndrome; Neoplastic Syndromes, Hereditary; Hereditary neoplastic syndrome. Identifiers: Orphanet 140162, MedGen C0027672, MeSH D009386, MONDO:0015356.
Hereditary breast ovarian cancer syndrome. Also called: Hereditary breast and ovarian cancer; Breast and ovarian cancer; Hereditary breast and/or ovarian cancer syndrome; BRCA1- and BRCA2-Associated Hereditary Breast and Ovarian Cancer; Hereditary breast and ovarian cancer syndrome; Hereditary breast and ovarian cancer syndrome (HBOC). Identifiers: Orphanet 145, MedGen C0677776, MeSH D061325, MONDO:0003582. Disease mechanism: loss of function.
Breast-ovarian cancer, familial, susceptibility to, 2 (BROVCA2). Also called: BRCA2 Hereditary Breast and Ovarian Cancer. Identifiers: Orphanet 145, MedGen C2675520, MONDO:0012933, OMIM 612555. Disease mechanism: loss of function.

Submissions (5):

Evidence-based Network for the Interpretation of Germline Mutant Alleles (ENIGMA)
Classification: Pathogenic for Breast-ovarian cancer, familial, susceptibility to, 2. Last evaluated: 2017-12-15. Review status: reviewed by expert panel. Criteria: ENIGMA BRCA1/2 Classification Criteria (2017-06-29). Collection method: curation. Allele origin: germline. Study: ENIGMA.
Comment: Variant allele predicted to encode a truncated non-functional protein.

GeneDx
Classification: Pathogenic. Last evaluated: 2025-05-05. Review status: criteria provided, single submitter. Criteria: GeneDx Variant Classification Process June 2021. Collection method: clinical testing. Allele origin: germline. Affected: yes. Not counted in ClinVar's aggregate classification.
Comment: Nonsense variant predicted to result in protein truncation or nonsense mediated decay in a gene for which loss of function is a known mechanism of disease; Observed in an individual undergoing hereditary cancer genetic testing (PMID: 29907814); Not observed at significant frequency in large population cohorts (gnomAD); Truncating variants in this gene are considered pathogenic by a well-established clinical consortium and/or database; Also known as 1816A>T; This variant is associated with the following publications: (PMID: 29907814)

Labcorp Genetics (formerly Invitae), Labcorp
Classification: Pathogenic for Hereditary breast ovarian cancer syndrome. Last evaluated: 2024-07-06. Review status: criteria provided, single submitter. Criteria: Invitae Variant Classification Sherloc (09022015). Collection method: clinical testing. Allele origin: germline. Not counted in ClinVar's aggregate classification.
Comment: This sequence change creates a premature translational stop signal (p.Lys530*) in the BRCA2 gene. It is expected to result in an absent or disrupted protein product. Loss-of-function variants in BRCA2 are known to be pathogenic (PMID: 20104584). This variant is not present in population databases (gnomAD no frequency). This premature translational stop signal has been observed in individual(s) with breast and/or ovarian cancer (PMID: 29907814). ClinVar contains an entry for this variant (Variation ID: 252441). For these reasons, this variant has been classified as Pathogenic.

Color Diagnostics, LLC DBA Color Health
Classification: Pathogenic for Hereditary cancer-predisposing syndrome. Last evaluated: 2021-08-26. Review status: criteria provided, single submitter. Criteria: ACMG Guidelines, 2015. Collection method: clinical testing. Allele origin: germline. Not counted in ClinVar's aggregate classification.
Comment: This variant changes 1 nucleotide in exon 10 of the BRCA2 gene, creating a premature translation stop signal. This variant is expected to result in an absent or non-functional protein product. This variant has been reported in one individual with suspected hereditary cancer in the literature (PMID: 29907814). This variant has not been identified in the general population by the Genome Aggregation Database (gnomAD). Loss of BRCA2 function is a known mechanism of disease. Based on the available evidence, this variant is classified as Pathogenic.

GeneKor MSA
Classification: Pathogenic. Last evaluated: 2020-01-01. Review status: criteria provided, single submitter. Criteria: ACMG Guidelines, 2015. Collection method: clinical testing. Allele origin: germline. Not counted in ClinVar's aggregate classification.
Comment: This variant is a single amino acid change from Lysine to a Termination codon at amino acid residue 530 of the BRCA2 gene. It results in a truncated non-functional protein. Truncating variants in the BRCA2 gene are known to be pathogenic. The mutation database ClinVar contains entries for this variant (Variation ID: 252441).

Literature cited by the submitters: PubMed 20104584 (cited by Labcorp Genetics (formerly Invitae), Labcorp); PubMed 29907814 (cited by Labcorp Genetics (formerly Invitae), Labcorp and Color Diagnostics, LLC DBA Color Health).

NM_000059.4(BRCA2):c.1588A>T (p.Lys530Ter)

Gene: BRCA2 (BRCA2 DNA repair associated; plus strand). Cytogenetic location: 13q13.1.
Variant type: single nucleotide variant.
Coding change: c.1588A>T on transcript NM_000059.4 (MANE Select); coding-DNA position 1588, A replaced by T.
Protein change: p.Lys530Ter; replaces lysine 530 with a stop codon.
Molecular consequence: nonsense.
Genome position (GRCh38, 1-based): chr13:32,333,066, A>T. VCF-style: chr13-32333066-A-T. GRCh37 (hg19) VCF-style: chr13-32907203-A-T.
Other names: short protein forms K530*.
Identifiers: ClinVar variation 252441 (VCV000252441.16), dbSNP rs879255325, ClinGen allele CA10585929.